The following is an entry in ClinVar:

ClinVar aggregate classification (germline): Uncertain significance. Review status: criteria provided, multiple submitters, no conflicts (2 of 4 stars). 3 submissions from 3 submitters: Uncertain significance (3). Last evaluated 2026-02-04.

Conditions:
Malignant hyperthermia, susceptibility to, 1 (MHS1). Also called: Anesthesia related hyperthermia; Malignant hyperpyrexia; Fulminating hyperpyrexia; Pharmacogenic myopathy; Malignant hyperthermia suceptibility 1; RYR1-Related Malignant Hyperthermia Susceptibility. Identifiers: Orphanet 423, MedGen C2930980, MONDO:0007783, OMIM 145600.
RYR1-related disorder. Also called: RYR1-related condition; RYR1-related disorders. Identifiers: MedGen CN239331.

Allele frequency attached by ClinVar (database versions not stated): gnomAD exomes 0.00001; ExAC 0.00002; TOPMed 0.00002; ESP Exome Variant Server 0.00015; gnomAD 0.00004.
gnomAD v4.1: 10 of 1,613,264 alleles (0.00062%); highest among the groups gnomAD compares: African/African-American, 0.008%; no homozygotes.

Submissions (3):

GeneDx
Classification: Uncertain significance. Last evaluated: 2026-02-04. Review status: criteria provided, single submitter. Criteria: GeneDx Variant Classification Process June 2021. Collection method: clinical testing. Allele origin: germline.
Comment: In silico analysis supports that this missense variant has a deleterious effect on protein structure/function; Has not been previously published as pathogenic or benign to our knowledge; This variant is associated with the following publications: (PMID: 12668474, 33767344)

Color Diagnostics, LLC DBA Color Health
Classification: Uncertain significance for Malignant hyperthermia, susceptibility to, 1. Last evaluated: 2024-05-21. Review status: criteria provided, single submitter. Criteria: ACMG Guidelines, 2015. Collection method: clinical testing. Allele origin: germline.
Comment: This missense variant replaces alanine with valine at codon 2450 of the RYR1 protein. Computational prediction is inconclusive regarding the impact of this variant on protein structure and function. To our knowledge, functional studies have not been reported for this variant. This variant has not been reported in individuals affected with RYR1-related disorders in the literature. This variant has been identified in 3/251110 chromosomes in the general population by the Genome Aggregation Database (gnomAD). The available evidence is insufficient to determine the role of this variant in disease conclusively. Therefore, this variant is classified as a Variant of Uncertain Significance.

Labcorp Genetics (formerly Invitae), Labcorp
Classification: Uncertain significance for RYR1-related disorder. Last evaluated: 2024-01-22. Review status: criteria provided, single submitter. Criteria: Invitae Variant Classification Sherloc (09022015). Collection method: clinical testing. Allele origin: germline.
Comment: This sequence change replaces alanine, which is neutral and non-polar, with valine, which is neutral and non-polar, at codon 2450 of the RYR1 protein (p.Ala2450Val). This variant is present in population databases (rs141959437, gnomAD 0.01%). This variant has not been reported in the literature in individuals affected with RYR1-related conditions. ClinVar contains an entry for this variant (Variation ID: 852329). Advanced modeling of protein sequence and biophysical properties (such as structural, functional, and spatial information, amino acid conservation, physicochemical variation, residue mobility, and thermodynamic stability) has been performed at Invitae for this missense variant, however the output from this modeling did not meet the statistical confidence thresholds required to predict the impact of this variant on RYR1 protein function. In summary, the available evidence is currently insufficient to determine the role of this variant in disease. Therefore, it has been classified as a Variant of Uncertain Significance.

NM_000540.3(RYR1):c.7349C>T (p.Ala2450Val)

Gene: RYR1 (ryanodine receptor 1; plus strand). Cytogenetic location: 19q13.2.
Variant type: single nucleotide variant.
Coding change: c.7349C>T on transcript NM_000540.3 (MANE Select); coding-DNA position 7349, C replaced by T.
Protein change: p.Ala2450Val; replaces alanine 2450 with valine.
Molecular consequence: missense variant.
Genome position (GRCh38, 1-based): chr19:38,500,631, C>T. VCF-style: chr19-38500631-C-T. GRCh37 (hg19) VCF-style: chr19-38991271-C-T.
Other names: c.7349C>T, p.Ala2450Val (NM_001042723.2); short protein forms A2450V.
Identifiers: ClinVar variation 852329 (VCV000852329.12), dbSNP rs141959437, ClinGen allele CA069560.